The following is an entry in ClinVar:

NM_006015.6(ARID1A):c.2019G>T (p.Gln673His)

Gene: ARID1A (AT-rich interaction domain 1A; plus strand). Cytogenetic location: 1p36.11.
Variant type: single nucleotide variant.
Coding change: c.2019G>T on transcript NM_006015.6 (MANE Select); coding-DNA position 2019, G replaced by T.
Protein change: p.Gln673His; replaces glutamine 673 with histidine.
Molecular consequence: missense variant.
Genome position (GRCh38, 1-based): chr1:26,760,954, G>T. VCF-style: chr1-26760954-G-T. GRCh37 (hg19) VCF-style: chr1-27087445-G-T.
Other names: c.2019G>T, p.Gln673His (NM_139135.4); short protein forms Q673H.
Identifiers: ClinVar variation 3376976 (VCV003376976.1).
Genomic context (GRCh38, chr1:26,760,954, plus strand): 5'-AGAAGGAGCTCTGAGTCCTGGAGTGAGCACATCAGGGATTTCCAGCAGCCAAGGAGAGCA[G>T]AGTAATCCAGCTCAGTCTCCTTTCTCTCCTCATACCTCCCCTCACCTGCCTGGCATCCGA-3'
Protein context (NP_006006.3, residues 663-683): TSGISSSQGE[Gln673His]SNPAQSPFSP

ClinVar aggregate classification (germline): Uncertain significance (1 of 4 stars; one submission).

Conditions:
Intellectual disability, autosomal dominant 14 (CSS2). Also called: COFFIN-SIRIS SYNDROME 2. Identifiers: Orphanet 1465, MedGen C3553247, MONDO:0013819, OMIM 614607.

gnomAD v4.1: 1 of 1,614,118 alleles (0.000062%); highest among the groups gnomAD compares: Non-Finnish European, 0.000085%; no homozygotes.

Submission:

Victorian Clinical Genetics Services, Murdoch Childrens Research Institute
Classification: Uncertain significance for Intellectual disability, autosomal dominant 14. Last evaluated: 2024-10-09. Review status: criteria provided, single submitter. Criteria: ACMG Guidelines, 2015. Collection method: clinical testing. Allele origin: germline. Inheritance: Autosomal dominant inheritance. Affected: yes.
Comment: Based on the classification scheme VCGS_Germline_v1.3.4, this variant is classified as VUS-3B. Following criteria are met: 0102 - Loss of function is a known mechanism of disease in this gene and is associated with Coffin-Siris syndrome 2 (MIM#614607). (I) 0107 - This gene is associated with autosomal dominant disease. (I) 0200 - Variant is predicted to result in a missense amino acid change from glutamine to histidine. (I) 0251 - This variant is heterozygous. (I) 0301 - Variant is absent from gnomAD (both v2 and v3). (SP) 0502 - Missense variant with conflicting in silico predictions and uninformative conservation. (I) 0604 - Variant is not located in an established domain, motif, hotspot or informative constraint region. (I) 0705 - No comparable missense variants have previous evidence for pathogenicity. (I) 0807 - This variant has no previous evidence of pathogenicity. (I) 0905 - No published segregation evidence has been identified for this variant. (I) 1007 - No published functional evidence has been identified for this variant. (I) 1208 - Inheritance information for this variant is not currently available in this individual. (I) Legend: (SP) - Supporting pathogenic, (I) - Information, (SB) - Supporting benign